The following is an entry in ClinVar:

NM_021098.3(CACNA1H):c.6311_6325del (p.Ile2104_Cys2109delinsSer)

Gene: CACNA1H (calcium voltage-gated channel subunit alpha1 H; plus strand). Cytogenetic location: 16p13.3.
Variant type: Deletion.
Coding change: c.6311_6325del on transcript NM_021098.3 (MANE Select); coding-DNA positions 6311 to 6325, 15 bases deleted (TCACCAGCTCCGCCT).
Protein change: p.Ile2104_Cys2109delinsSer.
Molecular consequence: inframe indel.
Genome position (GRCh38, 1-based): chr16:1,220,243-1,220,257, TCACCAGCTCCGCCT deleted. VCF-style (leftmost placement, unchanged base first): chr16-1220242-ATCACCAGCTCCGCCT-A. GRCh37 (hg19) VCF-style: chr16-1270242-ATCACCAGCTCCGCCT-A.
Other names: c.6293_6307del, p.Ile2098_Cys2103delinsSer (NM_001005407.2).
Identifiers: ClinVar variation 529561 (VCV000529561.9), dbSNP rs774660673, ClinGen allele CA7802306.

ClinVar aggregate classification (germline): Uncertain significance. Review status: criteria provided, multiple submitters, no conflicts (2 of 4 stars). 2 submissions from 2 submitters: Uncertain significance (2). Last evaluated 2025-10-10.

Conditions:
Hyperaldosteronism, familial, type IV (HALD4). Also called: FH IV; ALDOSTERONISM, PRIMARY, AND HYPERTENSION. Identifiers: Orphanet 642671, MedGen C4310756, MONDO:0014875, OMIM 617027.
Idiopathic generalized epilepsy. Also called: Generalised epilepsy; EIG. Identifiers: MedGen C0270850, MONDO:0005579, OMIM 600669.

Allele frequency attached by ClinVar (database versions not stated): ExAC 0.00001; TOPMed 0.00020; gnomAD 0.00022 and 0.00025; gnomAD exomes 0.00001 and 0.00003.

Submissions (2):

Labcorp Genetics (formerly Invitae), Labcorp
Classification: Uncertain significance for Idiopathic generalized epilepsy; Hyperaldosteronism, familial, type IV. Last evaluated: 2025-10-10. Review status: criteria provided, single submitter. Criteria: Invitae Variant Classification Sherloc (09022015). Collection method: clinical testing. Allele origin: germline.
Comment: This variant, c.6311_6325del, is a complex sequence change that results in the deletion of 6 and insertion of 1 amino acid(s) in the CACNA1H protein (p.Ile2104_Cys2109delinsSer). The frequency data for this variant in the population databases is considered unreliable, as metrics indicate poor data quality at this position in the gnomAD database. This variant has not been reported in the literature in individuals affected with CACNA1H-related conditions. ClinVar contains an entry for this variant (Variation ID: 529561). Experimental studies and prediction algorithms are not available or were not evaluated, and the functional significance of this variant is currently unknown. In summary, the available evidence is currently insufficient to determine the role of this variant in disease. Therefore, it has been classified as a Variant of Uncertain Significance.

GeneDx
Classification: Uncertain significance. Last evaluated: 2024-05-28. Review status: criteria provided, single submitter. Criteria: GeneDx Variant Classification Process June 2021. Collection method: clinical testing. Allele origin: germline. Affected: yes.
Comment: In-frame deletion of 6 amino acids and in-frame insertion of 1 amino acid in a non-repeat region; In silico analysis indicates that this variant does not alter protein structure/function; Has not been previously published as pathogenic or benign to our knowledge